The following is an entry in ClinVar:

ClinVar aggregate classification (germline): Uncertain significance. Review status: criteria provided, multiple submitters, no conflicts (2 of 4 stars). 7 submissions from 6 submitters: Uncertain significance (6). 1 of the submissions does not count toward it. Last evaluated 2025-09-22.

Conditions:
Age related macular degeneration 6. Identifiers: MedGen C3151060, MONDO:0013406, OMIM 613757.
Cone-rod dystrophy 11 (CORD11). Identifiers: Orphanet 1872, MedGen C1835865, MONDO:0012483, OMIM 610381.
Retinal dystrophy. Also called: Inherited retinal dystrophy. Identifiers: Orphanet 71862, MedGen C0854723, MeSH D058499, MONDO:0019118, HP:0000556.
RAX2-related disorder. Also called: RAX2-related condition; RAX2-related disorders.

Allele frequency attached by ClinVar (database versions not stated): ExAC 0.00001; gnomAD 0.00001; TOPMed 0.00001.
gnomAD v4.1: 24 of 1,612,352 alleles (0.0015%); highest among the groups gnomAD compares: Non-Finnish European, 0.0019%; no homozygotes.

Submissions (7):

PreventionGenetics, part of Exact Sciences
Classification: Uncertain significance for RAX2-related condition. Last evaluated: 2025-09-22. Review status: criteria provided, single submitter. Criteria: ACMG Guidelines, 2015. Collection method: clinical testing. Allele origin: germline.
Comment: The RAX2 c.134C>T variant is predicted to result in the amino acid substitution p.Ala45Val. To our knowledge, this variant has not been reported in the literature. This variant is reported in 0.0041% of alleles in individuals of African descent in gnomAD. At this time, the clinical significance of this variant is uncertain due to the absence of conclusive functional and genetic evidence.

Labcorp Genetics (formerly Invitae), Labcorp
Classification: Uncertain significance. Last evaluated: 2025-07-27. Review status: criteria provided, single submitter. Criteria: Invitae Variant Classification Sherloc (09022015). Collection method: clinical testing. Allele origin: germline.
Comment: This sequence change replaces alanine, which is neutral and non-polar, with valine, which is neutral and non-polar, at codon 45 of the RAX2 protein (p.Ala45Val). The frequency data for this variant in the population databases is considered unreliable, as metrics indicate poor data quality at this position in the gnomAD database. This variant has not been reported in the literature in individuals affected with RAX2-related conditions. ClinVar contains an entry for this variant (Variation ID: 892559). An algorithm developed to predict the effect of missense changes on protein structure and function (PolyPhen-2) suggests that this variant is likely to be disruptive. In summary, the available evidence is currently insufficient to determine the role of this variant in disease. Therefore, it has been classified as a Variant of Uncertain Significance.

Ambry Genetics
Classification: Uncertain significance. Last evaluated: 2022-08-11. Review status: criteria provided, single submitter. Criteria: Ambry Variant Classification Scheme 2023. Collection method: clinical testing. Allele origin: germline.

Blueprint Genetics
Classification: Uncertain significance. Last evaluated: 2021-09-01. Review status: criteria provided, single submitter. Criteria: ACMG Guidelines, 2015. Collection method: clinical testing. Allele origin: germline.

Illumina Laboratory Services, Illumina
Classification: Uncertain significance for Cone-rod dystrophy 11. Last evaluated: 2018-01-12. Review status: criteria provided, single submitter. Criteria: ICSL Variant Classification Criteria 13 December 2019. Collection method: clinical testing. Allele origin: germline.

Illumina Laboratory Services, Illumina
Classification: Uncertain significance for Age related macular degeneration 6. Last evaluated: 2018-01-12. Review status: criteria provided, single submitter. Criteria: ICSL Variant Classification Criteria 13 December 2019. Collection method: clinical testing. Allele origin: germline.

Institute of Human Genetics, Univ. Regensburg, Univ. Regensburg
Classification: Uncertain significance for Retinal dystrophy. Last evaluated: 2021-01-01. Review status: no assertion criteria provided. Criteria: ACMG Guidelines, 2015. Collection method: clinical testing. Allele origin: germline. Affected: yes. Not counted in ClinVar's aggregate classification.

NM_001319074.4(RAX2):c.134C>T (p.Ala45Val)

Gene: RAX2 (retina and anterior neural fold homeobox 2; minus strand). Cytogenetic location: 19p13.3.
Variant type: single nucleotide variant.
Coding change: c.134C>T on transcript NM_001319074.4 (MANE Select); coding-DNA position 134, C replaced by T.
Protein change: p.Ala45Val; replaces alanine 45 with valine.
Molecular consequence: missense variant.
Genome position (GRCh38, 1-based): chr19:3,771,609, G>A on the plus strand (C>T on the coding strand, the complement: RAX2 is on the minus strand). VCF-style: chr19-3771609-G-A. GRCh37 (hg19) VCF-style: chr19-3771607-G-A.
Other names: c.134C>T, p.Ala45Val (NM_032753.4); short protein forms A45V.
Identifiers: ClinVar variation 892559 (VCV000892559.16), dbSNP rs775581464, ClinGen allele CA9085108.